The following is an entry in ClinVar:

ClinVar aggregate classification (germline): Uncertain significance (1 of 4 stars; one submission).

Submission:

GeneDx
Classification: Uncertain significance. Last evaluated: 2024-08-22. Review status: criteria provided, single submitter. Criteria: GeneDx Variant Classification Process June 2021. Collection method: clinical testing. Allele origin: germline. Affected: yes.
Comment: Not observed in large population cohorts (gnomAD); In silico analysis supports that this missense variant has a deleterious effect on protein structure/function; Has not been previously published as pathogenic or benign to our knowledge

NM_002764.4(PRPS1):c.260C>T (p.Ala87Val)

Gene: PRPS1 (phosphoribosyl pyrophosphate synthetase 1; plus strand). Cytogenetic location: Xq22.3.
Variant type: single nucleotide variant.
Coding change: c.260C>T on transcript NM_002764.4 (MANE Select); coding-DNA position 260, C replaced by T.
Protein change: p.Ala87Val; replaces alanine 87 with valine.
Molecular consequence: missense variant. On other transcripts: intron variant (1).
Genome position (GRCh38, 1-based): chrX:107,639,432, C>T. VCF-style: chrX-107639432-C-T. GRCh37 (hg19) VCF-style: chrX-106882662-C-T.
Other names: c.-82-5745C>T (NM_001204402.2); short protein forms A87V.
Identifiers: ClinVar variation 3764176 (VCV003764176.1).